The following is an entry in ClinVar:

ClinVar aggregate classification (germline): Uncertain significance. Review status: criteria provided, multiple submitters, no conflicts (2 of 4 stars). 3 submissions from 3 submitters: Uncertain significance (3). Last evaluated 2024-10-20.

Conditions:
Familial thoracic aortic aneurysm and aortic dissection (TAAD). Also called: Thoracic aortic aneurysms and dissections. Identifiers: Orphanet 91387, MedGen C4707243, MONDO:0019625.

Allele frequency attached by ClinVar (database versions not stated): gnomAD exomes below 0.00001; TOPMed below 0.00001; gnomAD 0.00001; ExAC 0.00002.
gnomAD v4.1: 4 of 1,612,972 alleles (0.00025%); highest among the groups gnomAD compares: Non-Finnish European, 0.00034%; no homozygotes.

Submissions (3):

Women's Health and Genetics/Laboratory Corporation of America, LabCorp
Classification: Uncertain significance. Last evaluated: 2024-10-20. Review status: criteria provided, single submitter. Criteria: LabCorp Variant Classification Summary - May 2015. Collection method: clinical testing. Allele origin: germline.

All of Us Research Program, National Institutes of Health
Classification: Uncertain significance for Familial thoracic aortic aneurysm and aortic dissection. Last evaluated: 2023-10-27. Review status: criteria provided, single submitter. Criteria: ACMG Guidelines, 2015. Collection method: clinical testing. Allele origin: germline. Inheritance: Autosomal dominant inheritance. Observed: 2 variant alleles, 2 heterozygotes.
Comment: This variant is located in the 5' untranslated region of the MYH11 gene. To our knowledge, functional studies have not been reported for this variant. This variant has not been reported in individuals affected with MYH11-related disorders in the literature. This variant has been identified in 1/248748 chromosomes in the general population by the Genome Aggregation Database (gnomAD). The available evidence is insufficient to determine the role of this variant in disease conclusively. Therefore, this variant is classified as a Variant of Uncertain Significance.

This study involves interpretation of variants in research participants for the purpose of population health screening. Participant phenotype was not available at the time of variant classification. Additional details can be found in publication PMID: 35346344, PMCID: PMC8962531

Color Diagnostics, LLC DBA Color Health
Classification: Uncertain significance for Familial thoracic aortic aneurysm and aortic dissection. Last evaluated: 2023-09-27. Review status: criteria provided, single submitter. Criteria: ACMG Guidelines, 2015. Collection method: clinical testing. Allele origin: germline.
Comment: This variant is located in the 5' untranslated region of the MYH11 gene. To our knowledge, functional studies have not been reported for this variant. This variant has not been reported in individuals affected with MYH11-related disorders in the literature. This variant has been identified in 1/248748 chromosomes in the general population by the Genome Aggregation Database (gnomAD). The available evidence is insufficient to determine the role of this variant in disease conclusively. Therefore, this variant is classified as a Variant of Uncertain Significance.

NM_002474.3(MYH11):c.-13C>A

Gene: MYH11 (myosin heavy chain 11; minus strand). Cytogenetic location: 16p13.11.
Variant type: single nucleotide variant.
Coding change: c.-13C>A on transcript NM_002474.3 (MANE Select); 13 bases upstream of the start codon, C replaced by A.
Molecular consequence: 5 prime UTR variant.
Genome position (GRCh38, 1-based): chr16:15,838,265, G>T on the plus strand (C>A on the coding strand, the complement: MYH11 is on the minus strand). VCF-style: chr16-15838265-G-T. GRCh37 (hg19) VCF-style: chr16-15932122-G-T.
Other names: c.-13C>A (NM_001040113.2, NM_001040114.2, NM_022844.3).
Identifiers: ClinVar variation 1172026 (VCV001172026.6), dbSNP rs767404390, ClinGen allele CA7923138.
Genomic context (GRCh38, chr16:15,838,265, plus strand): 5'-CACAAAGAGGAACTTCTCATCGTCACTGAGTTGGCCCTTCTGCGCCATGGTGCCTTGTTG[G>T]TCCCCTGTGGAATAAGGTAACAGGGTCAGAATCAGACCACAACCAAGCCCGGAAGACAGA-3'